The following is an entry in ClinVar:

NM_005026.5(PIK3CD):c.1906C>T (p.Arg636Trp)

Gene: PIK3CD (phosphatidylinositol-4,5-bisphosphate 3-kinase catalytic subunit delta; plus strand). Cytogenetic location: 1p36.22.
Variant type: single nucleotide variant.
Coding change: c.1906C>T on transcript NM_005026.5 (MANE Select); coding-DNA position 1906, C replaced by T.
Protein change: p.Arg636Trp; replaces arginine 636 with tryptophan.
Molecular consequence: missense variant.
Genome position (GRCh38, 1-based): chr1:9,721,538, C>T. VCF-style: chr1-9721538-C-T. GRCh37 (hg19) VCF-style: chr1-9781596-C-T.
Other names: c.1903C>T, p.Arg635Trp (NM_001350234.2); c.1819C>T, p.Arg607Trp (NM_001350235.1); short protein forms R607W, R635W, R636W.
Identifiers: ClinVar variation 3657067 (VCV003657067.2).

ClinVar aggregate classification (germline): Uncertain significance (1 of 4 stars; one submission).

Conditions:
Immunodeficiency 14 (IMD14A). Also called: IMMUNODEFICIENCY 14A WITH LYMPHOPROLIFERATION, AUTOSOMAL DOMINANT; p110-DELTA-ACTIVATING MUTATION CAUSING SENESCENT T CELLS, LYMPHADENOPATHY, AND IMMUNODEFICIENCY; ACTIVATED PI3K-DELTA SYNDROME 1; Activated PI3K Delta Syndrome Type 1 (APDS1). Identifiers: Orphanet 397596, Orphanet 693661, MedGen C5907821, MONDO:0014222, OMIM 615513.

gnomAD v4.1: 1 of 1,613,784 alleles (0.000062%); highest among the groups gnomAD compares: Non-Finnish European, 0.000085%; no homozygotes.

Submission:

Labcorp Genetics (formerly Invitae), Labcorp
Classification: Uncertain significance for Activated PI3K-delta syndrome. Last evaluated: 2024-06-19. Review status: criteria provided, single submitter. Criteria: Invitae Variant Classification Sherloc (09022015). Collection method: clinical testing. Allele origin: germline.
Comment: This sequence change replaces arginine, which is basic and polar, with tryptophan, which is neutral and slightly polar, at codon 636 of the PIK3CD protein (p.Arg636Trp). This variant is not present in population databases (gnomAD no frequency). This variant has not been reported in the literature in individuals affected with PIK3CD-related conditions. Advanced modeling of protein sequence and biophysical properties (such as structural, functional, and spatial information, amino acid conservation, physicochemical variation, residue mobility, and thermodynamic stability) performed at Invitae indicates that this missense variant is not expected to disrupt PIK3CD protein function with a negative predictive value of 80%. In summary, the available evidence is currently insufficient to determine the role of this variant in disease. Therefore, it has been classified as a Variant of Uncertain Significance.